The following is an entry in ClinVar:

NM_001873.4(CPE):c.170C>G (p.Pro57Arg)

Gene: CPE (carboxypeptidase E; plus strand). Cytogenetic location: 4q32.3.
Variant type: single nucleotide variant.
Coding change: c.170C>G on transcript NM_001873.4 (MANE Select); coding-DNA position 170, C replaced by G.
Protein change: p.Pro57Arg; replaces proline 57 with arginine.
Molecular consequence: missense variant.
Genome position (GRCh38, 1-based): chr4:165,379,391, C>G. VCF-style: chr4-165379391-C-G. GRCh37 (hg19) VCF-style: chr4-166300543-C-G.
Other names: short protein forms P57R.
Identifiers: ClinVar variation 5002315 (VCV005002315.1).

ClinVar aggregate classification (germline): Uncertain significance (1 of 4 stars; one submission).

Conditions:
CPE-related disorder. Also called: CPE-related condition.

gnomAD v4.1: 16 of 1,609,380 alleles (0.00099%); highest among the groups gnomAD compares: Admixed American, 0.0017%; no homozygotes.

Submission:

PreventionGenetics, part of Exact Sciences
Classification: Uncertain significance for CPE-related condition. Last evaluated: 2026-06-22. Review status: criteria provided, single submitter. Criteria: ACMG Guidelines, 2015. Collection method: clinical testing. Allele origin: germline.
Comment: The CPE c.170C>G variant is predicted to result in the amino acid substitution p.Pro57Arg. To our knowledge, this variant has not been reported in the literature or in a large population database (gnomAD), indicating this variant is rare. At this time, the clinical significance of this variant is uncertain due to the absence of conclusive functional and genetic evidence.